The following is an entry in ClinVar:

NM_014384.3(ACAD8):c.841+7T>C

Gene: ACAD8 (acyl-CoA dehydrogenase family member 8; plus strand). Cytogenetic location: 11q25.
Variant type: single nucleotide variant.
Coding change: c.841+7T>C on transcript NM_014384.3 (MANE Select); 7 bases into the intron after coding-DNA position 841, T replaced by C.
Molecular consequence: intron variant.
Genome position (GRCh38, 1-based): chr11:134,261,186, T>C. VCF-style: chr11-134261186-T-C. GRCh37 (hg19) VCF-style: chr11-134131080-T-C.
Identifiers: ClinVar variation 303680 (VCV000303680.21), dbSNP rs77368661, ClinGen allele CA6373092.

ClinVar aggregate classification (germline): Benign. Review status: criteria provided, multiple submitters, no conflicts (2 of 4 stars). 5 submissions from 5 submitters: Benign (4). 1 of the submissions does not count toward it. Last evaluated 2026-01-21.

Conditions:
ACAD8-related disorder. Also called: ACAD8-related condition.
Deficiency of isobutyryl-CoA dehydrogenase. Also called: ACYL-CoA DEHYDROGENASE FAMILY, MEMBER 8, DEFICIENCY OF; IBD DEFICIENCY; ACAD8 DEFICIENCY. Identifiers: Orphanet 79159, MedGen C1969809, MONDO:0012648, OMIM 611283.

Allele frequency attached by ClinVar (database versions not stated): gnomAD exomes 0.00445 and 0.01197; ExAC 0.01557; gnomAD 0.04613 and 0.04943; 1000 Genomes Project 0.04952; 1000 Genomes Project 30x 0.05262; TOPMed 0.05324; ESP Exome Variant Server 0.05517.
gnomAD v4.1: 13,794 of 1,613,692 alleles (0.85%); highest among the groups gnomAD compares: African/African-American, 16%; 1,014 homozygotes.

Submissions (5):

Labcorp Genetics (formerly Invitae), Labcorp
Classification: Benign for Deficiency of isobutyryl-CoA dehydrogenase. Last evaluated: 2026-01-21. Review status: criteria provided, single submitter. Criteria: Invitae Variant Classification Sherloc (09022015). Collection method: clinical testing. Allele origin: germline.

Illumina Laboratory Services, Illumina
Classification: Benign for Deficiency of isobutyryl-CoA dehydrogenase. Last evaluated: 2018-01-12. Review status: criteria provided, single submitter. Criteria: ICSL Variant Classification Criteria 13 December 2019. Collection method: clinical testing. Allele origin: germline.
Comment: This variant was observed in the ICSL laboratory as part of a predisposition screen in an ostensibly healthy population. It had not been previously curated by ICSL or reported in the Human Gene Mutation Database (HGMD: prior to June 1st, 2018), and was therefore a candidate for classification through an automated scoring system. Utilizing variant allele frequency, disease prevalence and penetrance estimates, and inheritance mode, an automated score was calculated to assess if this variant is too frequent to cause the disease. Based on the score and internal cut-off values, a variant classified as benign is not then subjected to further curation. The score for this variant resulted in a classification of benign for this disease.

Eurofins Ntd Llc (ga)
Classification: Benign. Last evaluated: 2017-02-10. Review status: criteria provided, single submitter. Criteria: EGL Classification Definitions 2015. Collection method: clinical testing. Allele origin: germline. Observed: 3 variant alleles, 3 heterozygotes.

Breakthrough Genomics
Classification: Benign. Review status: criteria provided, single submitter. Criteria: ACMG Guidelines, 2015. Collection method: not provided. Allele origin: germline. Inheritance: Autosomal recessive inheritance. Affected: yes.

PreventionGenetics, part of Exact Sciences
Classification: Benign for ACAD8-related condition. Last evaluated: 2021-09-30. Review status: no assertion criteria provided. Collection method: clinical testing. Allele origin: germline. Not counted in ClinVar's aggregate classification.
Comment: This variant is classified as benign based on ACMG/AMP sequence variant interpretation guidelines (Richards et al. 2015 PMID: 25741868, with internal and published modifications).